The following is an entry in ClinVar:

NM_001161748.2(LIM2):c.502C>T (p.Arg168Cys)

Gene: LIM2 (lens intrinsic membrane protein 2; minus strand). Cytogenetic location: 19q13.41.
Variant type: single nucleotide variant.
Coding change: c.502C>T on transcript NM_001161748.2 (MANE Select); coding-DNA position 502, C replaced by T.
Protein change: p.Arg168Cys; replaces arginine 168 with cysteine.
Molecular consequence: missense variant.
Genome position (GRCh38, 1-based): chr19:51,380,221, G>A on the plus strand (C>T on the coding strand, the complement: LIM2 is on the minus strand). VCF-style: chr19-51380221-G-A. GRCh37 (hg19) VCF-style: chr19-51883475-G-A.
Other names: c.628C>T, p.Arg210Cys (NM_030657.4); c.628C>T (NM_030657.3); short protein forms R210C, R168C.
Identifiers: ClinVar variation 1430326 (VCV001430326.10), dbSNP rs150085001, ClinGen allele CA9611436.

ClinVar aggregate classification (germline): Uncertain significance. Review status: criteria provided, multiple submitters, no conflicts (2 of 4 stars). 3 submissions from 3 submitters: Uncertain significance (3). Last evaluated 2025-01-27.

Conditions:
Inborn genetic diseases. Identifiers: MedGen C0950123, MeSH D030342.
LIM2-related disorder. Also called: LIM2-related condition.
Cataract 19 multiple types. Also called: CATARACT 19, CORTICAL PULVERULENT; CATARACT 19, CONGENITAL TOTAL. Identifiers: Orphanet 91492, MedGen C3809004, MONDO:0014111, OMIM 615277.

Allele frequency attached by ClinVar (database versions not stated): 1000 Genomes Project 0.00080; TOPMed 0.00105; ESP Exome Variant Server 0.00023; gnomAD 0.00056; 1000 Genomes Project 30x 0.00078.
gnomAD v4.1: 196 of 1,613,762 alleles (0.012%); highest among the groups gnomAD compares: Admixed American, 0.15%; 1 homozygote.

Submissions (3):

Labcorp Genetics (formerly Invitae), Labcorp
Classification: Uncertain significance for Cataract 19 multiple types. Last evaluated: 2025-01-27. Review status: criteria provided, single submitter. Criteria: Invitae Variant Classification Sherloc (09022015). Collection method: clinical testing. Allele origin: germline.
Comment: This sequence change replaces arginine, which is basic and polar, with cysteine, which is neutral and slightly polar, at codon 210 of the LIM2 protein (p.Arg210Cys). This variant is present in population databases (rs150085001, gnomAD 0.1%). This variant has not been reported in the literature in individuals affected with LIM2-related conditions. ClinVar contains an entry for this variant (Variation ID: 1430326). An algorithm developed to predict the effect of missense changes on protein structure and function (PolyPhen-2) suggests that this variant is likely to be disruptive. In summary, the available evidence is currently insufficient to determine the role of this variant in disease. Therefore, it has been classified as a Variant of Uncertain Significance.

PreventionGenetics, part of Exact Sciences
Classification: Uncertain significance for LIM2-related condition. Last evaluated: 2024-12-11. Review status: criteria provided, single submitter. Criteria: ACMG Guidelines, 2015. Collection method: clinical testing. Allele origin: germline.
Comment: The LIM2 c.628C>T variant is predicted to result in the amino acid substitution p.Arg210Cys. To our knowledge, this variant has not been reported in the literature. This variant is reported in 0.11% of alleles in individuals of East Asian descent including one homozygous individual in gnomAD. Although we suspect that this variant may be benign, at this time, the clinical significance of this variant is uncertain due to the absence of conclusive functional and genetic evidence.

Ambry Genetics
Classification: Uncertain significance for Inborn genetic diseases. Last evaluated: 2023-12-27. Review status: criteria provided, single submitter. Criteria: Ambry Variant Classification Scheme 2023. Collection method: clinical testing. Allele origin: germline.